The following is an entry in ClinVar:

ClinVar aggregate classification (germline): Uncertain significance (1 of 4 stars; one submission).

Conditions:
Baller-Gerold syndrome (BGS). Also called: CRANIOSYNOSTOSIS WITH RADIAL DEFECTS. Identifiers: Orphanet 1225, MedGen C0265308, MONDO:0009039, OMIM 218600.

Submission:

Labcorp Genetics (formerly Invitae), Labcorp
Classification: Uncertain significance for Baller-Gerold syndrome. Last evaluated: 2023-01-06. Review status: criteria provided, single submitter. Criteria: Invitae Variant Classification Sherloc (09022015). Collection method: clinical testing. Allele origin: germline.
Comment: In summary, the available evidence is currently insufficient to determine the role of this variant in disease. Therefore, it has been classified as a Variant of Uncertain Significance. Algorithms developed to predict the effect of missense changes on protein structure and function output the following: SIFT: "Not Available"; PolyPhen-2: "Not Available"; Align-GVGD: "Not Available". The histidine amino acid residue is found in multiple mammalian species, which suggests that this missense change does not adversely affect protein function. This variant has not been reported in the literature in individuals affected with RECQL4-related conditions. This variant is not present in population databases (gnomAD no frequency). This sequence change replaces tyrosine, which is neutral and polar, with histidine, which is basic and polar, at codon 42 of the RECQL4 protein (p.Tyr42His).

NM_004260.4(RECQL4):c.124T>C (p.Tyr42His)

Genes: RECQL4 (RecQ like helicase 4; minus strand), LOC130001411 (ATAC-STARR-seq lymphoblastoid silent region 19699; plus strand). Cytogenetic location: 8q24.3.
Variant type: single nucleotide variant.
Coding change: c.124T>C on transcript NM_004260.4 (MANE Select); coding-DNA position 124, T replaced by C.
Protein change: p.Tyr42His; replaces tyrosine 42 with histidine.
Molecular consequence: missense variant. On other transcripts: 5 prime UTR variant (16), non-coding transcript variant (3), intron variant (2).
Genome position (GRCh38, 1-based): chr8:144,517,503, A>G on the plus strand (T>C on the coding strand, the complement: RECQL4 is on the minus strand). VCF-style: chr8-144517503-A-G. GRCh37 (hg19) VCF-style: chr8-145742887-A-G.
Other names: c.124T>C, p.Tyr42His (NM_001413017.1, NM_001413018.1, NM_001413019.1 and 5 more transcripts); c.-597T>C (NM_001413021.1); c.-948T>C (NM_001413022.1, NM_001413023.1, NM_001413037.1 and 2 more transcripts); c.-845T>C (NM_001413024.1, NM_001413035.1); c.-1010T>C (NM_001413027.1, NM_001413030.1, NM_001413031.1 and 1 more transcripts); c.-673T>C (NM_001413028.1); c.-907T>C (NM_001413032.1); c.-852T>C (NM_001413034.1); and 3 more; short protein forms Y42H.
Identifiers: ClinVar variation 2826607 (VCV002826607.3), dbSNP rs2538124704, ClinGen allele CA372692792.